The following is an entry in ClinVar:

NM_152383.5(DIS3L2):c.256C>A (p.Pro86Thr)

Gene: DIS3L2 (DIS3 like 3'-5' exoribonuclease 2; plus strand). Cytogenetic location: 2q37.1.
Variant type: single nucleotide variant.
Coding change: c.256C>A on transcript NM_152383.5 (MANE Select); coding-DNA position 256, C replaced by A.
Protein change: p.Pro86Thr; replaces proline 86 with threonine.
Molecular consequence: missense variant. On other transcripts: non-coding transcript variant (2).
Genome position (GRCh38, 1-based): chr2:232,024,322, C>A. VCF-style: chr2-232024322-C-A. GRCh37 (hg19) VCF-style: chr2-232889032-C-A.
Other names: c.256C>A, p.Pro86Thr (NM_001257281.2, NM_001257282.2); short protein forms P86T.
Identifiers: ClinVar variation 2755720 (VCV002755720.3), dbSNP rs2469611939, ClinGen allele CA351152812.

ClinVar aggregate classification (germline): Uncertain significance (1 of 4 stars; one submission).

Conditions:
Perlman syndrome (PRLMNS). Identifiers: Orphanet 2849, MedGen C0796113, MONDO:0009965, OMIM 267000.

Submission:

Labcorp Genetics (formerly Invitae), Labcorp
Classification: Uncertain significance for Perlman syndrome. Last evaluated: 2023-08-27. Review status: criteria provided, single submitter. Criteria: Invitae Variant Classification Sherloc (09022015). Collection method: clinical testing. Allele origin: germline.
Comment: This sequence change replaces proline, which is neutral and non-polar, with threonine, which is neutral and polar, at codon 86 of the DIS3L2 protein (p.Pro86Thr). This variant is not present in population databases (gnomAD no frequency). This variant has not been reported in the literature in individuals affected with DIS3L2-related conditions. Advanced modeling of protein sequence and biophysical properties (such as structural, functional, and spatial information, amino acid conservation, physicochemical variation, residue mobility, and thermodynamic stability) performed at Invitae indicates that this missense variant is not expected to disrupt DIS3L2 protein function. In summary, the available evidence is currently insufficient to determine the role of this variant in disease. Therefore, it has been classified as a Variant of Uncertain Significance.